The following is an entry in ClinVar:

NM_004304.5(ALK):c.317C>G (p.Pro106Arg)

Gene: ALK (ALK receptor tyrosine kinase; minus strand). Cytogenetic location: 2p23.1.
Variant type: single nucleotide variant.
Coding change: c.317C>G on transcript NM_004304.5 (MANE Select); coding-DNA position 317, C replaced by G.
Protein change: p.Pro106Arg; replaces proline 106 with arginine.
Molecular consequence: missense variant.
Genome position (GRCh38, 1-based): chr2:29,920,343, G>C on the plus strand (C>G on the coding strand, the complement: ALK is on the minus strand). VCF-style: chr2-29920343-G-C. GRCh37 (hg19) VCF-style: chr2-30143209-G-C.
Other names: short protein forms P106R.
Identifiers: ClinVar variation 570895 (VCV000570895.9), dbSNP rs1037485859, ClinGen allele CA346590272.

ClinVar aggregate classification (germline): Uncertain significance. Review status: criteria provided, multiple submitters, no conflicts (2 of 4 stars). 2 submissions from 2 submitters: Uncertain significance (2). Last evaluated 2025-05-05.

Conditions:
Hereditary cancer-predisposing syndrome. Also called: Hereditary neoplastic syndrome; Neoplastic Syndromes, Hereditary; Hereditary Cancer Syndrome; Tumor predisposition. Identifiers: Orphanet 140162, MedGen C0027672, MeSH D009386, MONDO:0015356.
Neuroblastoma, susceptibility to, 3. Also called: ALK-Related Neuroblastic Tumor Susceptibility. Identifiers: Orphanet 635, MedGen C2751681, MONDO:0013083, OMIM 613014.

Allele frequency attached by ClinVar (database versions not stated): gnomAD 0.00001.
gnomAD v4.1: 2 of 1,551,264 alleles (0.00013%); highest among the groups gnomAD compares: Admixed American, 0.0039%; no homozygotes.

Submissions (2):

Ambry Genetics
Classification: Uncertain significance for Hereditary cancer-predisposing syndrome. Last evaluated: 2025-05-05. Review status: criteria provided, single submitter. Criteria: Ambry Variant Classification Scheme 2023. Collection method: clinical testing. Allele origin: germline.
Comment: The p.P106R variant (also known as c.317C>G), located in coding exon 1 of the ALK gene, results from a C to G substitution at nucleotide position 317. The proline at codon 106 is replaced by arginine, an amino acid with dissimilar properties. This amino acid position is conserved. In addition, this alteration is predicted to be tolerated by in silico analysis. Based on the available evidence, the clinical significance of this variant remains unclear.

Labcorp Genetics (formerly Invitae), Labcorp
Classification: Uncertain significance for Neuroblastoma, susceptibility to, 3. Last evaluated: 2025-03-24. Review status: criteria provided, single submitter. Criteria: Invitae Variant Classification Sherloc (09022015). Collection method: clinical testing. Allele origin: germline.
Comment: This sequence change replaces proline, which is neutral and non-polar, with arginine, which is basic and polar, at codon 106 of the ALK protein (p.Pro106Arg). This variant is not present in population databases (gnomAD no frequency). This variant has not been reported in the literature in individuals affected with ALK-related conditions. ClinVar contains an entry for this variant (Variation ID: 570895). An algorithm developed to predict the effect of missense changes on protein structure and function (PolyPhen-2) suggests that this variant is likely to be tolerated. In summary, the available evidence is currently insufficient to determine the role of this variant in disease. Therefore, it has been classified as a Variant of Uncertain Significance.